The following is an entry in ClinVar:

NM_005055.5(RAPSN):c.297del (p.His100fs)

Gene: RAPSN (receptor associated protein of the synapse; minus strand). Cytogenetic location: 11p11.2.
Variant type: Deletion.
Coding change: c.297del on transcript NM_005055.5 (MANE Select); coding-DNA position 297, one base deleted (T; older notation c.297delT).
Protein change: p.His100fs; shifts the reading frame from histidine 100.
Molecular consequence: frameshift variant.
Genome position (GRCh38, 1-based): chr11:47,448,046, A deleted on the plus strand (T on the coding strand, the reverse complement: RAPSN is on the minus strand); the first of 3 consecutive A bases (chr11:47,448,046-47,448,048); deleting any one gives the same sequence. VCF-style (leftmost placement, unchanged base first): chr11-47448045-GA-G. GRCh37 (hg19) VCF-style: chr11-47469597-GA-G.
Other names: c.297del, p.His100fs (NM_032645.5); short protein forms H100fs.
Identifiers: ClinVar variation 1454224 (VCV001454224.6), dbSNP rs2153311310, ClinGen allele CA2573147338.

ClinVar aggregate classification (germline): Pathogenic (1 of 4 stars; one submission).

Conditions:
Fetal akinesia deformation sequence 1 (FADS1). Also called: Pena-Shokeir syndrome type I; Fetal akinesia sequence. Identifiers: Orphanet 994, MedGen C1276035, MONDO:0100101, OMIM 208150, HP:0001989.
Congenital myasthenic syndrome 11. Also called: Myasthenic syndrome, congenital, 11, associated with acetylcholine receptor deficiency; MYASTHENIC SYNDROME, CONGENITAL, Ie. Identifiers: Orphanet 590, MedGen C4225367, MONDO:0014588, OMIM 616326.

Submission:

Labcorp Genetics (formerly Invitae), Labcorp
Classification: Pathogenic for Congenital myasthenic syndrome 11; Fetal akinesia deformation sequence 1. Last evaluated: 2022-03-23. Review status: criteria provided, single submitter. Criteria: Invitae Variant Classification Sherloc (09022015). Collection method: clinical testing. Allele origin: germline.
Comment: For these reasons, this variant has been classified as Pathogenic. This variant has not been reported in the literature in individuals affected with RAPSN-related conditions. This variant is not present in population databases (gnomAD no frequency). This sequence change creates a premature translational stop signal (p.His100Thrfs*28) in the RAPSN gene. It is expected to result in an absent or disrupted protein product. Loss-of-function variants in RAPSN are known to be pathogenic (PMID: 17686188).

Literature cited by the submitters: PubMed 17686188.